The following is an entry in ClinVar:

NM_000219.6(KCNE1):c.126G>T (p.Leu42=)

Gene: KCNE1 (potassium voltage-gated channel subfamily E regulatory subunit 1; minus strand). Cytogenetic location: 21q22.12.
Variant type: single nucleotide variant.
Coding change: c.126G>T on transcript NM_000219.6 (MANE Select); coding-DNA position 126, G replaced by T.
Protein change: p.Leu42=; no amino-acid change (leucine 42 retained).
Molecular consequence: synonymous variant.
Genome position (GRCh38, 1-based): chr21:34,449,509, C>A on the plus strand (G>T on the coding strand, the complement: KCNE1 is on the minus strand). VCF-style: chr21-34449509-C-A. GRCh37 (hg19) VCF-style: chr21-35821807-C-A.
Other names: c.126G>T, p.Leu42= (NM_001127668.4, NM_001127669.4, NM_001127670.4 and 4 more transcripts).
Identifiers: ClinVar variation 3374114 (VCV003374114.2).

Conditions:
Long QT syndrome 5 (LQT5). Identifiers: Orphanet 101016, Orphanet 768, MedGen C1867904, MONDO:0013372, OMIM 613695.

Submission:

Roden Lab, Vanderbilt University Medical Center
No classification provided (evidence only). Condition: Long QT syndrome 5. Review status: no classification provided. Collection method: in vitro. Allele origin: not applicable. Functional consequence: Effect on ion channel function.
ClinVar note: "not provided" was previously submitted as the classification for the variant. However, the classification appeared to be based only on an observation of functional data so it was converted to no classification on 2025-07-30.